The following is an entry in ClinVar:

NM_001276345.2(TNNT2):c.185C>A (p.Ala62Glu)

Gene: TNNT2 (troponin T2, cardiac type; minus strand). Cytogenetic location: 1q32.1.
Variant type: single nucleotide variant.
Coding change: c.185C>A on transcript NM_001276345.2 (MANE Select); coding-DNA position 185, C replaced by A.
Protein change: p.Ala62Glu; replaces alanine 62 with glutamic acid.
Molecular consequence: missense variant.
Genome position (GRCh38, 1-based): chr1:201,367,785, G>T on the plus strand (C>A on the coding strand, the complement: TNNT2 is on the minus strand). VCF-style: chr1-201367785-G-T. GRCh37 (hg19) VCF-style: chr1-201336913-G-T.
Other names: c.185C>A, p.Ala62Glu (NM_000364.4, NM_001406723.1); c.155C>A, p.Ala52Glu (NM_001001430.3, NM_001001431.3, NM_001276347.2 and 3 more transcripts); c.140C>A, p.Ala47Glu (NM_001001432.3, NM_001406728.1); c.182C>A, p.Ala61Glu (NM_001276346.2); c.152C>A, p.Ala51Glu (NM_001406725.1); short protein forms A47E, A51E, A52E, A61E, A62E.
Identifiers: ClinVar variation 3075059 (VCV003075059.3), dbSNP rs1659920547, ClinGen allele CA344207001.

ClinVar aggregate classification (germline): Uncertain significance. Review status: criteria provided, multiple submitters, no conflicts (2 of 4 stars). 3 submissions from 3 submitters: Uncertain significance (3). Last evaluated 2025-12-03.

Conditions:
Cardiomyopathy (CMYO). Also called: Cardiomyopathies. Identifiers: Orphanet 167848, MedGen C0878544, MONDO:0004994, HP:0001638. Inheritance: Various modes of inheritance.
Hypertrophic cardiomyopathy 2. Also called: TNNT2-Related Familial Hypertrophic Cardiomyopathy. Identifiers: MedGen C1861864, MONDO:0007266, OMIM 115195.
Dilated cardiomyopathy 1D. Identifiers: Orphanet 154, Orphanet 54260, MedGen C1832243, MONDO:0011095, OMIM 601494.
Cardiomyopathy, familial restrictive, 3. Identifiers: Orphanet 75249, MedGen C2676271, MONDO:0012900, OMIM 612422.

Allele frequency attached by ClinVar (database versions not stated): TOPMed 0.00001.
gnomAD v4.1: 3 of 1,614,052 alleles (0.00019%); highest among the groups gnomAD compares: Non-Finnish European, 0.00025%; no homozygotes.

Submissions (3):

Labcorp Genetics (formerly Invitae), Labcorp
Classification: Uncertain significance for Cardiomyopathy, familial restrictive, 3; Hypertrophic cardiomyopathy 2; Dilated cardiomyopathy 1D. Last evaluated: 2025-12-03. Review status: criteria provided, single submitter. Criteria: Invitae Variant Classification Sherloc (09022015). Collection method: clinical testing. Allele origin: germline.
Comment: This sequence change replaces alanine, which is neutral and non-polar, with glutamic acid, which is acidic and polar, at codon 52 of the TNNT2 protein (p.Ala52Glu). This variant is not present in population databases (gnomAD no frequency). This variant has not been reported in the literature in individuals affected with TNNT2-related conditions. ClinVar contains an entry for this variant (Variation ID: 3075059). Invitae Evidence Modeling of protein sequence and biophysical properties (such as structural, functional, and spatial information, amino acid conservation, physicochemical variation, residue mobility, and thermodynamic stability) indicates that this missense variant is not expected to disrupt TNNT2 protein function with a negative predictive value of 80%. In summary, the available evidence is currently insufficient to determine the role of this variant in disease. Therefore, it has been classified as a Variant of Uncertain Significance.

All of Us Research Program, National Institutes of Health
Classification: Uncertain significance for Cardiomyopathy. Last evaluated: 2023-12-18. Review status: criteria provided, single submitter. Criteria: ACMG Guidelines, 2015. Collection method: clinical testing. Allele origin: germline. Inheritance: Autosomal dominant inheritance. Observed: 1 variant allele, 1 heterozygote.
Comment: This missense variant replaces alanine with glutamic acid at codon 52 of the TNNT2 protein. Computational prediction suggests that this variant may not impact protein structure and function (internally defined REVEL score threshold <= 0.5, PMID: 27666373). To our knowledge, functional studies have not been reported for this variant. This variant has not been reported in individuals affected with TNNT2-related disorders in the literature. This variant has not been identified in the general population by the Genome Aggregation Database (gnomAD). The available evidence is insufficient to determine the role of this variant in disease conclusively. Therefore, this variant is classified as a Variant of Uncertain Significance.

This study involves interpretation of variants in research participants for the purpose of population health screening. Participant phenotype was not available at the time of variant classification. Additional details can be found in publication PMID: 35346344, PMCID: PMC8962531

Color Diagnostics, LLC DBA Color Health
Classification: Uncertain significance for Cardiomyopathy. Last evaluated: 2023-11-15. Review status: criteria provided, single submitter. Criteria: ACMG Guidelines, 2015. Collection method: clinical testing. Allele origin: germline.
Comment: This missense variant replaces alanine with glutamic acid at codon 52 of the TNNT2 protein. Computational prediction suggests that this variant may not impact protein structure and function. To our knowledge, functional studies have not been reported for this variant. This variant has not been reported in individuals affected with TNNT2-related disorders in the literature. This variant has not been identified in the general population by the Genome Aggregation Database (gnomAD). The available evidence is insufficient to determine the role of this variant in disease conclusively. Therefore, this variant is classified as a Variant of Uncertain Significance.